The following is an entry in ClinVar:

NM_000540.3(RYR1):c.8401-9C>T

Genes: RYR1 (ryanodine receptor 1; plus strand), LOC126862902 (BRD4-independent group 4 enhancer GRCh37_chr19:38995830-38997029; plus strand). Cytogenetic location: 19q13.2.
Variant type: single nucleotide variant.
Coding change: c.8401-9C>T on transcript NM_000540.3 (MANE Select); 9 bases into the intron before coding-DNA position 8401, C replaced by T.
Molecular consequence: intron variant.
Genome position (GRCh38, 1-based): chr19:38,505,797, C>T. VCF-style: chr19-38505797-C-T. GRCh37 (hg19) VCF-style: chr19-38996437-C-T.
Other names: c.8401-9C>T (NM_001042723.2).
Identifiers: ClinVar variation 2732150 (VCV002732150.4), dbSNP rs756838296, ClinGen allele CA071995.

ClinVar aggregate classification (germline): Likely benign. Review status: criteria provided, multiple submitters, no conflicts (2 of 4 stars). 2 submissions from 2 submitters: Likely benign (2). Last evaluated 2023-10-30.

Conditions:
RYR1-related disorder. Also called: RYR1-related disorders; RYR1-related condition. Identifiers: MedGen CN239331.
Malignant hyperthermia, susceptibility to, 1 (MHS1). Also called: Anesthesia related hyperthermia; Malignant hyperpyrexia; Fulminating hyperpyrexia; Pharmacogenic myopathy; RYR1-Related Malignant Hyperthermia Susceptibility; Malignant hyperthermia suceptibility 1. Identifiers: Orphanet 423, MedGen C2930980, MONDO:0007783, OMIM 145600.

Allele frequency attached by ClinVar (database versions not stated): gnomAD exomes below 0.00001; TOPMed below 0.00001; ExAC 0.00001.
gnomAD v4.1: 4 of 1,614,094 alleles (0.00025%); highest among the groups gnomAD compares: Non-Finnish European, 0.00025%; no homozygotes.

Submissions (2):

Labcorp Genetics (formerly Invitae), Labcorp
Classification: Likely benign for RYR1-related disorder. Last evaluated: 2023-10-30. Review status: criteria provided, single submitter. Criteria: Invitae Variant Classification Sherloc (09022015). Collection method: clinical testing. Allele origin: germline.

All of Us Research Program, National Institutes of Health
Classification: Likely benign for Malignant hyperthermia, susceptibility to, 1. Last evaluated: 2023-05-16. Review status: criteria provided, single submitter. Criteria: ACMG Guidelines, 2015. Collection method: clinical testing. Allele origin: germline. Inheritance: Autosomal dominant inheritance. Observed: 1 variant allele, 1 heterozygote.
Comment: This study involves interpretation of variants in research participants for the purpose of population health screening. Participant phenotype was not available at the time of variant classification. Additional details can be found in publication PMID: 35346344, PMCID: PMC8962531